The following is an entry in ClinVar:

ClinVar aggregate classification (germline): Uncertain significance (1 of 4 stars; one submission).

Conditions:
Duchenne muscular dystrophy (DMD). Also called: MUSCULAR DYSTROPHY, PSEUDOHYPERTROPHIC PROGRESSIVE, DUCHENNE TYPE; Duchenne Muscular Dystrophy (DMD). Identifiers: Orphanet 98896, MedGen C0013264, MONDO:0010679, OMIM 310200.

Submission:

Labcorp Genetics (formerly Invitae), Labcorp
Classification: Uncertain significance for Duchenne muscular dystrophy. Last evaluated: 2024-03-01. Review status: criteria provided, single submitter. Criteria: Invitae Variant Classification Sherloc (09022015). Collection method: clinical testing. Allele origin: germline.
Comment: This sequence change replaces tyrosine, which is neutral and polar, with histidine, which is basic and polar, at codon 3073 of the DMD protein (p.Tyr3073His). This variant is not present in population databases (gnomAD no frequency). This variant has not been reported in the literature in individuals affected with DMD-related conditions. Advanced modeling of protein sequence and biophysical properties (such as structural, functional, and spatial information, amino acid conservation, physicochemical variation, residue mobility, and thermodynamic stability) has been performed at Invitae for this missense variant, however the output from this modeling did not meet the statistical confidence thresholds required to predict the impact of this variant on DMD protein function. In summary, the available evidence is currently insufficient to determine the role of this variant in disease. Therefore, it has been classified as a Variant of Uncertain Significance.

NM_004006.3(DMD):c.9217T>C (p.Tyr3073His)

Gene: DMD (dystrophin; minus strand). Cytogenetic location: Xp21.2.
Variant type: single nucleotide variant.
Coding change: c.9217T>C on transcript NM_004006.3 (MANE Select); coding-DNA position 9217, T replaced by C.
Protein change: p.Tyr3073His; replaces tyrosine 3073 with histidine.
Molecular consequence: missense variant.
Genome position (GRCh38, 1-based): chrX:31,323,605, A>G on the plus strand (T>C on the coding strand, the complement: DMD is on the minus strand). VCF-style: chrX-31323605-A-G. GRCh37 (hg19) VCF-style: chrX-31341722-A-G.
Other names: c.9193T>C, p.Tyr3065His (NM_000109.4); c.9205T>C, p.Tyr3069His (NM_004009.3); c.8848T>C, p.Tyr2950His (NM_004010.3); c.5194T>C, p.Tyr1732His (NM_004011.4); c.5185T>C, p.Tyr1729His (NM_004012.4); c.1837T>C, p.Tyr613His (NM_004013.3, NM_004020.4, NM_004021.3 and 2 more transcripts); c.1030T>C, p.Tyr344His (NM_004014.3); short protein forms Y1729H, Y3065H, Y1732H, Y3069H, Y344H, Y613H, Y2950H, Y3073H.
Identifiers: ClinVar variation 3634794 (VCV003634794.2).